The following is an entry in ClinVar:

ClinVar aggregate classification (germline): Likely pathogenic (1 of 4 stars; one submission).

Submission:

Quest Diagnostics Nichols Institute San Juan Capistrano
Classification: Likely pathogenic. Last evaluated: 2023-02-28. Review status: criteria provided, single submitter. Criteria: ACMG/ClinGen CNV Guidelines, 2019. Collection method: clinical testing. Allele origin: unknown.
Comment: This loss involves multiple exons (NM_001202543.2) of an intragenic portion of CUX1 (OMIM 116896). Haploinsufficiency of CUX1 has been associated with global developmental delay with or without impaired intellectual development (OMIM 618330, Platzer 2018) and additional phenotypes (Firth 2009, Giannakou 2017, Morton 2021, Platzer 2018). There is one similar copy number loss of this region in the general populations of the Database of Genomic Variants. Thus, based on current medical literature, this copy number variant (CNV) is classified as likely pathogenic with reduced penetrance and variable expressivity. References: Firth et al., Am J Hum Genet. 2009 Apr;84(4):524-33. PMID: 19344873 Giannakou et al., PLoS One. 2017 Dec 7;12(12):e0188168. PMID: 29216221 Morton et al., JAMA Cardiol. 2021 Apr 1;6(4):457-462. PMID: 33084842 Platzer et al., Ann Neurol. 2018 Aug;84(2):200-207. PMID: 30014507

GRCh37/hg19 7q22.1(chr7:101652458-101761929)x1

Gene: CUX1 (cut like homeobox 1; plus strand). Cytogenetic location: 7q22.1.
Variant type: copy number loss.
Change: copy number 1 (one copy instead of two) of chr7:101,652,458-101,761,929 (109.5 kb, GRCh37 coordinates, 1-based), cytogenetic band 7q22.1.
Identifiers: ClinVar variation 2685257 (VCV002685257.1).